The following is an entry in ClinVar:

ClinVar aggregate classification (germline): Uncertain significance (1 of 4 stars; one submission).

Allele frequency attached by ClinVar (database versions not stated): gnomAD exomes below 0.00001.
gnomAD v4.1: 1 of 1,071,774 alleles (0.000093%); highest among the groups gnomAD compares: Non-Finnish European, 0.00012%; no homozygotes.

Submission:

Labcorp Genetics (formerly Invitae), Labcorp
Classification: Uncertain significance. Last evaluated: 2022-06-13. Review status: criteria provided, single submitter. Criteria: Invitae Variant Classification Sherloc (09022015). Collection method: clinical testing. Allele origin: germline.
Comment: In summary, the available evidence is currently insufficient to determine the role of this variant in disease. Therefore, it has been classified as a Variant of Uncertain Significance. Algorithms developed to predict the effect of missense changes on protein structure and function are either unavailable or do not agree on the potential impact of this missense change (SIFT: "Deleterious"; PolyPhen-2: "Benign"; Align-GVGD: "Class C0"). This variant has not been reported in the literature in individuals affected with HSPG2-related conditions. This variant is not present in population databases (gnomAD no frequency). This sequence change replaces arginine, which is basic and polar, with leucine, which is neutral and non-polar, at codon 18 of the HSPG2 protein (p.Arg18Leu).

NM_005529.7(HSPG2):c.53G>T (p.Arg18Leu)

Gene: HSPG2 (heparan sulfate proteoglycan 2; minus strand). Cytogenetic location: 1p36.12.
Variant type: single nucleotide variant.
Coding change: c.53G>T on transcript NM_005529.7 (MANE Select); coding-DNA position 53, G replaced by T.
Protein change: p.Arg18Leu; replaces arginine 18 with leucine.
Molecular consequence: missense variant.
Genome position (GRCh38, 1-based): chr1:21,937,165, C>A on the plus strand (G>T on the coding strand, the complement: HSPG2 is on the minus strand). VCF-style: chr1-21937165-C-A. GRCh37 (hg19) VCF-style: chr1-22263658-C-A.
Other names: c.53G>T, p.Arg18Leu (NM_001291860.2); short protein forms R18L.
Identifiers: ClinVar variation 1351683 (VCV001351683.8), dbSNP rs1644512070, ClinGen allele CA338909934.